The following is an entry in ClinVar:

NM_000079.4(CHRNA1):c.594C>G (p.Ile198Met)

Gene: CHRNA1 (cholinergic receptor nicotinic alpha 1 subunit; minus strand). Cytogenetic location: 2q31.1.
Variant type: single nucleotide variant.
Coding change: c.594C>G on transcript NM_000079.4 (MANE Select); coding-DNA position 594, C replaced by G.
Protein change: p.Ile198Met; replaces isoleucine 198 with methionine.
Molecular consequence: missense variant.
Genome position (GRCh38, 1-based): chr2:174,753,687, G>C on the plus strand (C>G on the coding strand, the complement: CHRNA1 is on the minus strand). VCF-style: chr2-174753687-G-C. GRCh37 (hg19) VCF-style: chr2-175618415-G-C.
Other names: c.669C>G, p.Ile223Met (NM_001039523.3); short protein forms I223M, I198M.
Identifiers: ClinVar variation 943756 (VCV000943756.10), dbSNP rs1054392349, ClinGen allele CA60852257.

ClinVar aggregate classification (germline): Uncertain significance. Review status: criteria provided, multiple submitters, no conflicts (2 of 4 stars). 2 submissions from 2 submitters: Uncertain significance (2). Last evaluated 2024-03-13.

Conditions:
Lethal multiple pterygium syndrome (LMPS). Identifiers: Orphanet 33108, MedGen C1854678, MONDO:0009668, OMIM 253290.

Allele frequency attached by ClinVar (database versions not stated): gnomAD 0.00001; gnomAD exomes 0.00002 and 0.00004.
gnomAD v4.1: 51 of 1,613,976 alleles (0.0032%); highest among the groups gnomAD compares: Non-Finnish European, 0.0043%; no homozygotes.

Submissions (2):

Revvity Omics, Revvity
Classification: Uncertain significance. Last evaluated: 2024-03-13. Review status: criteria provided, single submitter. Criteria: ACMG Guidelines, 2015. Collection method: clinical testing. Allele origin: germline.

Labcorp Genetics (formerly Invitae), Labcorp
Classification: Uncertain significance for Lethal multiple pterygium syndrome. Last evaluated: 2022-12-15. Review status: criteria provided, single submitter. Criteria: Invitae Variant Classification Sherloc (09022015). Collection method: clinical testing. Allele origin: germline.
Comment: This sequence change replaces isoleucine, which is neutral and non-polar, with methionine, which is neutral and non-polar, at codon 198 of the CHRNA1 protein (p.Ile198Met). This variant is present in population databases (no rsID available, gnomAD 0.004%). This variant has not been reported in the literature in individuals affected with CHRNA1-related conditions. ClinVar contains an entry for this variant (Variation ID: 943756). Advanced modeling of protein sequence and biophysical properties (such as structural, functional, and spatial information, amino acid conservation, physicochemical variation, residue mobility, and thermodynamic stability) performed at Invitae indicates that this missense variant is not expected to disrupt CHRNA1 protein function. In summary, the available evidence is currently insufficient to determine the role of this variant in disease. Therefore, it has been classified as a Variant of Uncertain Significance.